The following is an entry in ClinVar:

NM_007294.4(BRCA1):c.2790T>C (p.Pro930=)

Gene: BRCA1 (BRCA1 DNA repair associated; minus strand). Cytogenetic location: 17q21.31.
Variant type: single nucleotide variant.
Coding change: c.2790T>C on transcript NM_007294.4 (MANE Select); coding-DNA position 2790, T replaced by C.
Protein change: p.Pro930=; no amino-acid change (proline 930 retained).
Molecular consequence: synonymous variant. On other transcripts: intron variant (137).
Genome position (GRCh38, 1-based): chr17:43,092,741, A>G on the plus strand (T>C on the coding strand, the complement: BRCA1 is on the minus strand). VCF-style: chr17-43092741-A-G. GRCh37 (hg19) VCF-style: chr17-41244758-A-G.
Other names: c.2577T>C, p.Pro859= (NM_001407571.1, NM_001407853.1, NM_001407894.1 and 9 more transcripts); c.2790T>C, p.Pro930= (NM_001407581.1, NM_001407582.1, NM_001407583.1 and 30 more transcripts); c.2787T>C, p.Pro929= (NM_001407587.1, NM_001407590.1, NM_001407591.1 and 22 more transcripts); c.2781T>C, p.Pro927= (NM_001407646.1, NM_001407647.1); c.2667T>C, p.Pro889= (NM_001407648.1, NM_001407664.1, NM_001407665.1 and 19 more transcripts); c.2664T>C, p.Pro888= (NM_001407649.1, NM_001407670.1, NM_001407671.1 and 11 more transcripts); c.2712T>C, p.Pro904= (NM_001407653.1, NM_001407654.1, NM_001407655.1 and 4 more transcripts); c.2709T>C, p.Pro903= (NM_001407659.1, NM_001407660.1, NM_001407661.1 and 1 more transcripts); and 41 more.
Identifiers: ClinVar variation 231428 (VCV000231428.8), dbSNP rs876659151, ClinGen allele CA10580599.

ClinVar aggregate classification (germline): Likely benign. Review status: reviewed by expert panel (3 of 4 stars). 2 submissions from 2 submitters: Likely benign (1). 1 of the submissions does not count toward it. Last evaluated 2017-06-29.

Conditions:
Breast-ovarian cancer, familial, susceptibility to, 1 (BROVCA1). Also called: BRCA1 Hereditary Breast and Ovarian Cancer; OVARIAN CANCER, SUSCEPTIBILITY TO. Identifiers: Orphanet 145, MedGen C2676676, MONDO:0011450, OMIM 604370. Disease mechanism: loss of function.
Hereditary cancer-predisposing syndrome. Also called: Tumor predisposition; Hereditary Cancer Syndrome; Neoplastic Syndromes, Hereditary; Hereditary neoplastic syndrome. Identifiers: Orphanet 140162, MedGen C0027672, MeSH D009386, MONDO:0015356.

Submissions (2):

Evidence-based Network for the Interpretation of Germline Mutant Alleles (ENIGMA)
Classification: Likely benign for Breast-ovarian cancer, familial, susceptibility to, 1. Last evaluated: 2017-06-29. Review status: reviewed by expert panel. Criteria: ENIGMA BRCA1/2 Classification Criteria (2017-06-29). Collection method: curation. Allele origin: germline.
Comment: Synonymous substitution variant, with low bioinformatic likelihood to result in a splicing aberration (Splicing prior probability 0.02).

Ambry Genetics
Classification: Likely benign for Hereditary cancer-predisposing syndrome. Last evaluated: 2015-04-20. Review status: criteria provided, single submitter. Criteria: Ambry Variant Classification Scheme 2023. Collection method: clinical testing. Allele origin: germline. Not counted in ClinVar's aggregate classification.